The following is an entry in ClinVar:

ClinVar aggregate classification (germline): Uncertain significance. Review status: criteria provided, multiple submitters, no conflicts (2 of 4 stars). 2 submissions from 2 submitters: Uncertain significance (2). Last evaluated 2024-07-06.

Conditions:
Pheochromocytoma/paraganglioma syndrome 3. Also called: GLOMUS TUMORS, FAMILIAL, 3; Paragangliomas 3; SDHC-Related Hereditary Paraganglioma-Pheochromocytoma Syndrome (Paragangliomas 3); SDHC-Related Hereditary Paraganglioma-Pheochromocytoma Syndrome. Identifiers: Orphanet 29072, MedGen C1854336, MONDO:0011544, OMIM 605373.
Gastrointestinal stromal tumor. Also called: Gastrointestinal stromal tumor, somatic; Gastrointestinal stroma tumor. Identifiers: Orphanet 44890, MedGen C0238198, MeSH D046152, MONDO:0011719, OMIM 606764, HP:0100723.
Hereditary cancer-predisposing syndrome. Also called: Neoplastic Syndromes, Hereditary; Tumor predisposition; Hereditary Cancer Syndrome; Hereditary neoplastic syndrome. Identifiers: Orphanet 140162, MedGen C0027672, MeSH D009386, MONDO:0015356.

Submissions (2):

Labcorp Genetics (formerly Invitae), Labcorp
Classification: Uncertain significance for Pheochromocytoma/paraganglioma syndrome 3; Gastrointestinal stromal tumor. Last evaluated: 2024-07-06. Review status: criteria provided, single submitter. Criteria: Invitae Variant Classification Sherloc (09022015). Collection method: clinical testing. Allele origin: germline.
Comment: This sequence change replaces glycine, which is neutral and non-polar, with arginine, which is basic and polar, at codon 94 of the SDHC protein (p.Gly94Arg). This variant is not present in population databases (gnomAD no frequency). This variant has not been reported in the literature in individuals affected with SDHC-related conditions. ClinVar contains an entry for this variant (Variation ID: 1796316). Advanced modeling of protein sequence and biophysical properties (such as structural, functional, and spatial information, amino acid conservation, physicochemical variation, residue mobility, and thermodynamic stability) performed at Invitae indicates that this missense variant is expected to disrupt SDHC protein function with a positive predictive value of 80%. Algorithms developed to predict the effect of sequence changes on RNA splicing suggest that this variant may create or strengthen a splice site. In summary, the available evidence is currently insufficient to determine the role of this variant in disease. Therefore, it has been classified as a Variant of Uncertain Significance.

Ambry Genetics
Classification: Uncertain significance for Hereditary cancer-predisposing syndrome. Last evaluated: 2021-12-28. Review status: criteria provided, single submitter. Criteria: Ambry Variant Classification Scheme 2023. Collection method: clinical testing. Allele origin: germline.
Comment: The p.G94R variant (also known as c.280G>A), located in coding exon 5 of the SDHC gene, results from a G to A substitution at nucleotide position 280. The glycine at codon 94 is replaced by arginine, an amino acid with dissimilar properties. This amino acid position is highly conserved in available vertebrate species. In addition, this alteration is predicted to be deleterious by in silico analysis. Since supporting evidence is limited at this time, the clinical significance of this alteration remains unclear.

NM_003001.5(SDHC):c.280G>A (p.Gly94Arg)

Gene: SDHC (succinate dehydrogenase complex subunit C; plus strand). Cytogenetic location: 1q23.3.
Variant type: single nucleotide variant.
Coding change: c.280G>A on transcript NM_003001.5 (MANE Select); coding-DNA position 280, G replaced by A.
Protein change: p.Gly94Arg; replaces glycine 94 with arginine.
Molecular consequence: missense variant. On other transcripts: non-coding transcript variant (1), intron variant (3).
Genome position (GRCh38, 1-based): chr1:161,356,715, G>A. VCF-style: chr1-161356715-G-A. GRCh37 (hg19) VCF-style: chr1-161326505-G-A.
Other names: c.178G>A, p.Gly60Arg (NM_001035512.3); c.121G>A, p.Gly41Arg (NM_001035513.3); c.400G>A, p.Gly134Arg (NM_001407115.1); c.223G>A, p.Gly75Arg (NM_001407116.1); c.217G>A, p.Gly73Arg (NM_001407117.1); c.172G>A, p.Gly58Arg (NM_001407118.1); c.169G>A, p.Gly57Arg (NM_001407119.1, NM_001407120.1); c.242-5614G>A (NM_001035511.3); and 2 more; short protein forms G57R, G60R, G94R, G134R, G75R, G41R, G73R, G58R.
Identifiers: ClinVar variation 1796316 (VCV001796316.4), dbSNP rs2102370586, ClinGen allele CA343456331.